The following is an entry in ClinVar:

ClinVar aggregate classification (germline): Uncertain significance (1 of 4 stars; one submission).

Submission:

Labcorp Genetics (formerly Invitae), Labcorp
Classification: Uncertain significance. Last evaluated: 2022-04-01. Review status: criteria provided, single submitter. Criteria: Invitae Variant Classification Sherloc (09022015). Collection method: clinical testing. Allele origin: germline.
Comment: In summary, the available evidence is currently insufficient to determine the role of this variant in disease. Therefore, it has been classified as a Variant of Uncertain Significance. Algorithms developed to predict the effect of missense changes on protein structure and function are either unavailable or do not agree on the potential impact of this missense change (SIFT: "Deleterious"; PolyPhen-2: "Probably Damaging"; Align-GVGD: "Class C0"). This variant has not been reported in the literature in individuals affected with TJP2-related conditions. This variant is not present in population databases (gnomAD no frequency). This sequence change replaces aspartic acid, which is acidic and polar, with tyrosine, which is neutral and polar, at codon 593 of the TJP2 protein (p.Asp593Tyr).

NM_004817.4(TJP2):c.1777G>T (p.Asp593Tyr)

Gene: TJP2 (tight junction protein 2; plus strand). Cytogenetic location: 9q21.11.
Variant type: single nucleotide variant.
Coding change: c.1777G>T on transcript NM_004817.4 (MANE Select); coding-DNA position 1777, G replaced by T.
Protein change: p.Asp593Tyr; replaces aspartic acid 593 with tyrosine.
Molecular consequence: missense variant.
Genome position (GRCh38, 1-based): chr9:69,234,544, G>T. VCF-style: chr9-69234544-G-T. GRCh37 (hg19) VCF-style: chr9-71849460-G-T.
Other names: c.1708G>T, p.Asp570Tyr (NM_001170414.2, NM_001369871.1); c.1789G>T, p.Asp597Tyr (NM_001170415.1, NM_001369874.1, NM_001369875.1); c.1870G>T, p.Asp624Tyr (NM_001170416.2); c.1702G>T, p.Asp568Tyr (NM_001369870.1); c.1777G>T, p.Asp593Tyr (NM_001369872.1, NM_001369873.1, NM_201629.3); short protein forms D593Y, D568Y, D597Y, D570Y, D624Y.
Identifiers: ClinVar variation 1954330 (VCV001954330.5), dbSNP rs765819513, ClinGen allele CA373532231.
Genomic context (GRCh38, chr9:69,234,544, plus strand): 5'-CTCTACCTGTTAGAAATCCCTAAAGGTGAAATGGTGACCATTTTAGCTCAGAGCCGAGCC[G>T]ATGGTGAGCAAATTTGGTCATTTAGTTTAGTTGGGGTGGGGGTGGGGAGTGGGAAGGATG-3'
Protein context (NP_004808.2, residues 583-603): MVTILAQSRA[Asp593Tyr]VYRDILACGR